The following is an entry in ClinVar:

NM_001035.3(RYR2):c.10914T>G (p.Asp3638Glu)

Gene: RYR2 (ryanodine receptor 2; plus strand). Cytogenetic location: 1q43.
Variant type: single nucleotide variant.
Coding change: c.10914T>G on transcript NM_001035.3 (MANE Select); coding-DNA position 10914, T replaced by G.
Protein change: p.Asp3638Glu; replaces aspartic acid 3638 with glutamic acid.
Molecular consequence: missense variant.
Genome position (GRCh38, 1-based): chr1:237,730,335, T>G. VCF-style: chr1-237730335-T-G. GRCh37 (hg19) VCF-style: chr1-237893635-T-G.
Other names: short protein forms D3638E.
Identifiers: ClinVar variation 919737 (VCV000919737.4), dbSNP rs1690563932, ClinGen allele CA345417920.

ClinVar aggregate classification (germline): Uncertain significance (1 of 4 stars; one submission).

Conditions:
Cardiomyopathy (CMYO). Also called: Cardiomyopathies. Identifiers: Orphanet 167848, MedGen C0878544, MONDO:0004994, HP:0001638. Inheritance: Various modes of inheritance.

Submission:

Color Diagnostics, LLC DBA Color Health
Classification: Uncertain significance for Cardiomyopathy. Last evaluated: 2024-03-06. Review status: criteria provided, single submitter. Criteria: ACMG Guidelines, 2015. Collection method: clinical testing. Allele origin: germline.
Comment: This missense variant replaces aspartic acid with glutamic acid at codon 3638 of the RYR2 protein. Computational prediction tool is inconclusive regarding the impact of this variant on protein structure and function (internally defined REVEL score threshold 0.5 < inconclusive < 0.7, PMID: 27666373). Splice site prediction tools suggest that this variant may not impact RNA splicing. To our knowledge, functional studies have not been performed for this variant. This variant has not been reported in individuals affected with cardiovascular disorders in the literature. This variant has not been identified in the general population by the Genome Aggregation Database (gnomAD). The available evidence is insufficient to determine the role of this variant in disease conclusively. Therefore, this variant is classified as a Variant of Uncertain Significance.